The following is an entry in ClinVar:

NM_001286.5(CLCN6):c.1981-9C>A

Gene: CLCN6 (chloride voltage-gated channel 6; plus strand). Cytogenetic location: 1p36.22.
Variant type: single nucleotide variant.
Coding change: c.1981-9C>A on transcript NM_001286.5 (MANE Select); 9 bases into the intron before coding-DNA position 1981, C replaced by A.
Molecular consequence: intron variant.
Genome position (GRCh38, 1-based): chr1:11,836,990, C>A. VCF-style: chr1-11836990-C-A. GRCh37 (hg19) VCF-style: chr1-11897047-C-A.
Other names: c.1915-9C>A (NM_001256959.2).
Identifiers: ClinVar variation 2813608 (VCV002813608.3), dbSNP rs988619298, ClinGen allele CA2739272296.

ClinVar aggregate classification (germline): Uncertain significance (1 of 4 stars; one submission).

Submission:

Labcorp Genetics (formerly Invitae), Labcorp
Classification: Uncertain significance. Last evaluated: 2022-11-11. Review status: criteria provided, single submitter. Criteria: Invitae Variant Classification Sherloc (09022015). Collection method: clinical testing. Allele origin: germline.
Comment: In summary, the available evidence is currently insufficient to determine the role of this variant in disease. Therefore, it has been classified as a Variant of Uncertain Significance. Algorithms developed to predict the effect of sequence changes on RNA splicing suggest that this variant may create or strengthen a splice site. This variant has not been reported in the literature in individuals affected with CLCN6-related conditions. This variant is not present in population databases (gnomAD no frequency). This sequence change falls in intron 18 of the CLCN6 gene. It does not directly change the encoded amino acid sequence of the CLCN6 protein.